The following is an entry in ClinVar:

ClinVar aggregate classification (germline): Likely benign. Review status: criteria provided, multiple submitters, no conflicts (2 of 4 stars). 2 submissions from 2 submitters: Likely benign (2). Last evaluated 2023-08-15.

Conditions:
Hypertrophic cardiomyopathy. Also called: HYPERTROPHIC MYOCARDIOPATHY. Identifiers: Orphanet 217569, MedGen C0007194, MeSH D002312, MONDO:0005045, HP:0001639.
Hypertrophic cardiomyopathy 11. Also called: ACTC1-Related Familial Hypertrophic Cardiomyopathy. Identifiers: MedGen C2677506, MONDO:0012799, OMIM 612098.
Atrial septal defect 5 (ASD5). Identifiers: Orphanet 1478, MedGen C2748552, MONDO:0013011, OMIM 612794.
Dilated cardiomyopathy 1R (CMD1R). Identifiers: Orphanet 154, Orphanet 54260, MedGen C3150681, MONDO:0013261, OMIM 613424.

Allele frequency attached by ClinVar (database versions not stated): gnomAD exomes below 0.00001; TOPMed 0.00001.
gnomAD v4.1: 2 of 1,613,652 alleles (0.00012%); highest among the groups gnomAD compares: Admixed American, 0.0017%; no homozygotes.

Submissions (2):

All of Us Research Program, National Institutes of Health
Classification: Likely benign for Hypertrophic cardiomyopathy. Last evaluated: 2023-08-15. Review status: criteria provided, single submitter. Criteria: ACMG Guidelines, 2015. Collection method: clinical testing. Allele origin: germline. Inheritance: Autosomal dominant inheritance. Observed: 2 variant alleles, 2 heterozygotes.
Comment: This study involves interpretation of variants in research participants for the purpose of population health screening. Participant phenotype was not available at the time of variant classification. Additional details can be found in publication PMID: 35346344, PMCID: PMC8962531

Labcorp Genetics (formerly Invitae), Labcorp
Classification: Likely benign for Dilated cardiomyopathy 1R; Hypertrophic cardiomyopathy 11; Atrial septal defect 5. Last evaluated: 2022-07-05. Review status: criteria provided, single submitter. Criteria: Invitae Variant Classification Sherloc (09022015). Collection method: clinical testing. Allele origin: germline.

NM_005159.5(ACTC1):c.66C>T (p.Gly22=)

Genes: GJD2-DT (GJD2 divergent transcript; plus strand), ACTC1 (actin alpha cardiac muscle 1; minus strand). Cytogenetic location: 15q14.
Variant type: single nucleotide variant.
Coding change: c.66C>T on transcript NM_005159.5 (MANE Select); coding-DNA position 66, C replaced by T.
Protein change: p.Gly22=; no amino-acid change (glycine 22 retained).
Molecular consequence: synonymous variant.
Genome position (GRCh38, 1-based): chr15:34,794,743, G>A on the plus strand (C>T on the coding strand, the complement: ACTC1 is on the minus strand). VCF-style: chr15-34794743-G-A. GRCh37 (hg19) VCF-style: chr15-35086944-G-A.
Other names: c.66C>T (LRG_388t1).
Identifiers: ClinVar variation 416056 (VCV000416056.11), dbSNP rs1060504729, ClinGen allele CA16614450.